The following is an entry in ClinVar:

ClinVar aggregate classification (germline): Uncertain significance (1 of 4 stars; one submission).

Conditions:
Inborn genetic diseases. Identifiers: MedGen C0950123, MeSH D030342.

gnomAD v4.1: 2 of 1,612,982 alleles (0.00012%); highest among the groups gnomAD compares: Admixed American, 0.0017%; no homozygotes.

Submission:

Ambry Genetics
Classification: Uncertain significance for Inborn genetic diseases. Last evaluated: 2026-08-15. Review status: criteria provided, single submitter. Criteria: Ambry Variant Classification Scheme 2023. Collection method: clinical testing. Allele origin: germline.
Comment: The p.S28F variant (also known as c.83C>T), located in coding exon 2 of the ERCC6L2 gene, results from a C to T substitution at nucleotide position 83. The serine at codon 28 is replaced by phenylalanine, an amino acid with highly dissimilar properties. This amino acid position is conserved. In addition, this alteration is predicted to be tolerated by in silico analysis. Based on the available evidence, the clinical significance of this variant remains unclear.

NM_020207.7(ERCC6L2):c.83C>T (p.Ser28Phe)

Gene: ERCC6L2 (ERCC excision repair 6 like 2; plus strand). Cytogenetic location: 9q22.32.
Variant type: single nucleotide variant.
Coding change: c.83C>T on transcript NM_020207.7 (MANE Select); coding-DNA position 83, C replaced by T.
Protein change: p.Ser28Phe; replaces serine 28 with phenylalanine.
Molecular consequence: missense variant. On other transcripts: non-coding transcript variant (1).
Genome position (GRCh38, 1-based): chr9:95,880,905, C>T. VCF-style: chr9-95880905-C-T. GRCh37 (hg19) VCF-style: chr9-98643187-C-T.
Other names: c.83C>T, p.Ser28Phe (NM_001010895.4, NM_001375291.1, NM_001375292.1 and 2 more transcripts); short protein forms S28F.
Identifiers: ClinVar variation 5036100 (VCV005036100.1).